The following is an entry in ClinVar:

ClinVar aggregate classification (germline): Likely benign. Review status: criteria provided, single submitter (1 of 4 stars). 2 submissions from 2 submitters: Likely benign (1). 1 of the submissions does not count toward it. Last evaluated 2023-09-12.

Conditions:
Bifunctional peroxisomal enzyme deficiency (DBIF). Also called: PBFE DEFICIENCY; D-bifunctional protein deficiency; DBP DEFICIENCY. Identifiers: Orphanet 300, MedGen C0342870, MONDO:0009855, OMIM 261515. Disease mechanism: loss of function.
Perrault syndrome. Also called: Gonadal dysgenesis with auditory dysfunction, autosomal recessive inheritance. Identifiers: Orphanet 2855, MedGen C0685838, MONDO:0017312.
HSD17B4-related disorder. Also called: HSD17B4-related disorders; HSD17B4-related condition.

gnomAD v4.1: 33 of 1,599,532 alleles (0.0021%); highest among the groups gnomAD compares: Non-Finnish European, 0.0027%; no homozygotes.

Submissions (2):

Labcorp Genetics (formerly Invitae), Labcorp
Classification: Likely benign for Perrault syndrome; Bifunctional peroxisomal enzyme deficiency. Last evaluated: 2023-09-12. Review status: criteria provided, single submitter. Criteria: Invitae Variant Classification Sherloc (09022015). Collection method: clinical testing. Allele origin: germline.

PreventionGenetics, part of Exact Sciences
Classification: Likely benign for HSD17B4-related condition. Last evaluated: 2022-08-19. Review status: no assertion criteria provided. Collection method: clinical testing. Allele origin: germline. Not counted in ClinVar's aggregate classification.
Comment: This variant is classified as likely benign based on ACMG/AMP sequence variant interpretation guidelines (Richards et al. 2015 PMID: 25741868, with internal and published modifications).

NM_000414.4(HSD17B4):c.1422A>G (p.Thr474=)

Gene: HSD17B4 (hydroxysteroid 17-beta dehydrogenase 4; plus strand). Cytogenetic location: 5q23.1.
Variant type: single nucleotide variant.
Coding change: c.1422A>G on transcript NM_000414.4 (MANE Select); coding-DNA position 1422, A replaced by G.
Protein change: p.Thr474=; no amino-acid change (threonine 474 retained).
Molecular consequence: synonymous variant. On other transcripts: non-coding transcript variant (2).
Genome position (GRCh38, 1-based): chr5:119,509,229, A>G. VCF-style: chr5-119509229-A-G. GRCh37 (hg19) VCF-style: chr5-118844924-A-G.
Other names: c.1497A>G, p.Thr499= (NM_001199291.3); c.1368A>G, p.Thr456= (NM_001199292.2); c.1350A>G, p.Thr450= (NM_001292027.2, NM_001374498.1); c.1002A>G, p.Thr334= (NM_001292028.2); c.1413A>G, p.Thr471= (NM_001374497.1); c.1095A>G, p.Thr365= (NM_001374499.1); c.981A>G, p.Thr327= (NM_001374500.1); c.1011A>G, p.Thr337= (NM_001374501.1, NM_001374502.1, NM_001374503.1); and 1 more.
Identifiers: ClinVar variation 2925394 (VCV002925394.5), dbSNP rs746747692, ClinGen allele CA446050594.